The following is an entry in ClinVar:

ClinVar aggregate classification (germline): Conflicting classifications of pathogenicity. Review status: criteria provided, conflicting classifications (1 of 4 stars). 2 submissions from 2 submitters: Uncertain significance (1); Likely benign (1). Last evaluated 2021-04-20.

Conditions:
Moyamoya disease with early-onset achalasia (MYMY6). Also called: MOYAMOYA DISEASE 6 WITH OR WITHOUT ACHALASIA. Identifiers: Orphanet 401945, MedGen C3810403, MONDO:0014331, OMIM 615750.

Allele frequency attached by ClinVar (database versions not stated): ExAC 0.00005; gnomAD exomes 0.00005; gnomAD 0.00006 and 0.00008; TOPMed 0.00006; ESP Exome Variant Server 0.00023.
gnomAD v4.1: 56 of 1,613,898 alleles (0.0035%); highest among the groups gnomAD compares: Middle Eastern, 0.016%; no homozygotes.

Submissions (2):

Labcorp Genetics (formerly Invitae), Labcorp
Classification: Likely benign. Last evaluated: 2021-04-20. Review status: criteria provided, single submitter. Criteria: Invitae Variant Classification Sherloc (09022015). Collection method: clinical testing. Allele origin: germline.

Baylor Genetics
Classification: Uncertain significance for Moyamoya disease with early-onset achalasia. Last evaluated: 2018-06-25. Review status: criteria provided, single submitter. Criteria: ACMG Guidelines, 2015. Collection method: clinical testing. Allele origin: unknown. Affected: yes.
Comment: This variant was determined to be of uncertain significance according to ACMG Guidelines, 2015 [PMID:25741868].

NM_001130682.3(GUCY1A1):c.630C>T (p.Thr210=)

Gene: GUCY1A1 (guanylate cyclase 1 soluble subunit alpha 1; plus strand). Cytogenetic location: 4q32.1.
Variant type: single nucleotide variant.
Coding change: c.630C>T on transcript NM_001130682.3 (MANE Select); coding-DNA position 630, C replaced by T.
Protein change: p.Thr210=; no amino-acid change (threonine 210 retained).
Molecular consequence: synonymous variant. On other transcripts: 5 prime UTR variant (1), intron variant (1).
Genome position (GRCh38, 1-based): chr4:155,710,795, C>T. VCF-style: chr4-155710795-C-T. GRCh37 (hg19) VCF-style: chr4-156631947-C-T.
Other names: c.630C>T, p.Thr210= (NM_000856.6, NM_001130683.4, NM_001130684.3 and 12 more transcripts); c.-76C>T (NM_001130685.3); c.377-254C>T (NM_001379676.1).
Identifiers: ClinVar variation 1032479 (VCV001032479.9), dbSNP rs138687424, ClinGen allele CA3117228.
Genomic context (GRCh38, chr4:155,710,795, plus strand): 5'-TCTATGCCTGGATAAGGAGGATGATTTTCTACATGTTTACTACTTCTTCCCTAAGAGAAC[C>T]ACCTCCCTGATTCTTCCCGGCATCATAAAGGCAGCTGCTCACGTATTATATGAAACGGAA-3'
Protein context (NP_001124154.1, residues 200-220): LHVYYFFPKR[Thr210=]TSLILPGIIK